The following is an entry in ClinVar:

ClinVar aggregate classification (germline): Uncertain significance. Review status: criteria provided, multiple submitters, no conflicts (2 of 4 stars). 2 submissions from 2 submitters: Uncertain significance (2). Last evaluated 2026-01-02.

Conditions:
Wiedemann-Steiner syndrome (WDSTS). Also called: Growth deficiency and mental retardation with facial dysmorphism. Identifiers: Orphanet 319182, MedGen C1854630, MONDO:0011518, OMIM 605130.

Allele frequency attached by ClinVar (database versions not stated): gnomAD exomes below 0.00001; ExAC 0.00001; gnomAD 0.00001; TOPMed 0.00002.
gnomAD v4.1: 2 of 1,614,040 alleles (0.00012%); highest among the groups gnomAD compares: African/African-American, 0.0013%; no homozygotes.

Submissions (2):

Labcorp Genetics (formerly Invitae), Labcorp
Classification: Uncertain significance. Last evaluated: 2026-01-02. Review status: criteria provided, single submitter. Criteria: Invitae Variant Classification Sherloc (09022015). Collection method: clinical testing. Allele origin: germline.
Comment: This sequence change replaces threonine, which is neutral and polar, with isoleucine, which is neutral and non-polar, at codon 3212 of the KMT2A protein (p.Thr3212Ile). This variant is present in population databases (rs782079693, gnomAD 0.007%). This variant has not been reported in the literature in individuals affected with KMT2A-related conditions. ClinVar contains an entry for this variant (Variation ID: 1350824). Invitae Evidence Modeling of protein sequence and biophysical properties (such as structural, functional, and spatial information, amino acid conservation, physicochemical variation, residue mobility, and thermodynamic stability) indicates that this missense variant is not expected to disrupt KMT2A protein function with a negative predictive value of 95%. In summary, the available evidence is currently insufficient to determine the role of this variant in disease. Therefore, it has been classified as a Variant of Uncertain Significance.

Revvity Omics, Revvity
Classification: Uncertain significance for Wiedemann-Steiner syndrome. Last evaluated: 2021-07-23. Review status: criteria provided, single submitter. Criteria: ACMG Guidelines, 2015. Collection method: clinical testing. Allele origin: germline.

NM_001197104.2(KMT2A):c.9635C>T (p.Thr3212Ile)

Gene: KMT2A (lysine methyltransferase 2A; plus strand). Cytogenetic location: 11q23.3.
Variant type: single nucleotide variant.
Coding change: c.9635C>T on transcript NM_001197104.2 (MANE Select); coding-DNA position 9635, C replaced by T.
Protein change: p.Thr3212Ile; replaces threonine 3212 with isoleucine.
Molecular consequence: missense variant.
Genome position (GRCh38, 1-based): chr11:118,505,527, C>T. VCF-style: chr11-118505527-C-T. GRCh37 (hg19) VCF-style: chr11-118376242-C-T.
Other names: c.9626C>T, p.Thr3209Ile (NM_005933.4); c.9635C>T (NM_001197104.1); short protein forms T3209I, T3212I.
Identifiers: ClinVar variation 1350824 (VCV001350824.8), dbSNP rs782079693, ClinGen allele CA6304620.